The following is an entry in ClinVar:

NM_001194998.2(CEP152):c.791G>A (p.Arg264His)

Gene: CEP152 (centrosomal protein 152; minus strand). Cytogenetic location: 15q21.1.
Variant type: single nucleotide variant.
Coding change: c.791G>A on transcript NM_001194998.2 (MANE Select); coding-DNA position 791, G replaced by A.
Protein change: p.Arg264His; replaces arginine 264 with histidine.
Molecular consequence: missense variant.
Genome position (GRCh38, 1-based): chr15:48,793,362, C>T on the plus strand (G>A on the coding strand, the complement: CEP152 is on the minus strand). VCF-style: chr15-48793362-C-T. GRCh37 (hg19) VCF-style: chr15-49085559-C-T.
Other names: c.791G>A, p.Arg264His (NM_014985.4); c.791G>A (NM_014985.3); short protein forms R264H.
Identifiers: ClinVar variation 2053263 (VCV002053263.4), dbSNP rs373907642, ClinGen allele CA7549034.

ClinVar aggregate classification (germline): Uncertain significance. Review status: criteria provided, multiple submitters, no conflicts (2 of 4 stars). 2 submissions from 2 submitters: Uncertain significance (2). Last evaluated 2023-11-06.

Conditions:
Inborn genetic diseases. Identifiers: MedGen C0950123, MeSH D030342.

Allele frequency attached by ClinVar (database versions not stated): ExAC 0.00002; gnomAD 0.00003; TOPMed 0.00003; ESP Exome Variant Server 0.00008.
gnomAD v4.1: 23 of 1,613,872 alleles (0.0014%); highest among the groups gnomAD compares: East Asian, 0.013%; no homozygotes.

Submissions (2):

Labcorp Genetics (formerly Invitae), Labcorp
Classification: Uncertain significance. Last evaluated: 2023-11-06. Review status: criteria provided, single submitter. Criteria: Invitae Variant Classification Sherloc (09022015). Collection method: clinical testing. Allele origin: germline.
Comment: This sequence change replaces arginine, which is basic and polar, with histidine, which is basic and polar, at codon 264 of the CEP152 protein (p.Arg264His). This variant is present in population databases (rs373907642, gnomAD 0.02%). This variant has not been reported in the literature in individuals affected with CEP152-related conditions. ClinVar contains an entry for this variant (Variation ID: 2053263). Advanced modeling of protein sequence and biophysical properties (such as structural, functional, and spatial information, amino acid conservation, physicochemical variation, residue mobility, and thermodynamic stability) performed at Invitae indicates that this missense variant is not expected to disrupt CEP152 protein function with a negative predictive value of 80%. In summary, the available evidence is currently insufficient to determine the role of this variant in disease. Therefore, it has been classified as a Variant of Uncertain Significance.

Ambry Genetics
Classification: Uncertain significance for Inborn genetic diseases. Last evaluated: 2023-01-10. Review status: criteria provided, single submitter. Criteria: Ambry Variant Classification Scheme 2023. Collection method: clinical testing. Allele origin: germline.